The following is an entry in ClinVar:

NM_000081.4(LYST):c.6098A>G (p.Asn2033Ser)

Gene: LYST (lysosomal trafficking regulator; minus strand). Cytogenetic location: 1q42.3.
Variant type: single nucleotide variant.
Coding change: c.6098A>G on transcript NM_000081.4 (MANE Select); coding-DNA position 6098, A replaced by G.
Protein change: p.Asn2033Ser; replaces asparagine 2033 with serine.
Molecular consequence: missense variant.
Genome position (GRCh38, 1-based): chr1:235,766,102, T>C on the plus strand (A>G on the coding strand, the complement: LYST is on the minus strand). VCF-style: chr1-235766102-T-C. GRCh37 (hg19) VCF-style: chr1-235929402-T-C.
Other names: c.6098A>G, p.Asn2033Ser (NM_001301365.1); short protein forms N2033S.
Identifiers: ClinVar variation 3713859 (VCV003713859.2).

ClinVar aggregate classification (germline): Uncertain significance (1 of 4 stars; one submission).

Conditions:
Chédiak-Higashi syndrome (CHS). Also called: Chediak-Higashi Syndrome. Identifiers: Orphanet 167, MedGen C0007965, MONDO:0008963, OMIM 214500.

gnomAD v4.1: 1 of 1,613,366 alleles (0.000062%); highest among the groups gnomAD compares: South Asian, 0.0011%; no homozygotes.

Submission:

Labcorp Genetics (formerly Invitae), Labcorp
Classification: Uncertain significance for Chédiak-Higashi syndrome. Last evaluated: 2024-09-28. Review status: criteria provided, single submitter. Criteria: Invitae Variant Classification Sherloc (09022015). Collection method: clinical testing. Allele origin: germline.
Comment: This sequence change replaces asparagine, which is neutral and polar, with serine, which is neutral and polar, at codon 2033 of the LYST protein (p.Asn2033Ser). This variant is present in population databases (rs777976528, gnomAD 0.003%). This variant has not been reported in the literature in individuals affected with LYST-related conditions. Invitae Evidence Modeling of protein sequence and biophysical properties (such as structural, functional, and spatial information, amino acid conservation, physicochemical variation, residue mobility, and thermodynamic stability) indicates that this missense variant is not expected to disrupt LYST protein function with a negative predictive value of 80%. In summary, the available evidence is currently insufficient to determine the role of this variant in disease. Therefore, it has been classified as a Variant of Uncertain Significance.